The following is an entry in ClinVar:

ClinVar aggregate classification (germline): Uncertain significance (1 of 4 stars; one submission).

Conditions:
Emery-Dreifuss muscular dystrophy 5, autosomal dominant (EDMD5). Also called: EMERY-DREIFUSS MUSCULAR DYSTROPHY 5. Identifiers: Orphanet 261, MedGen C2751805, MONDO:0013072, OMIM 612999.

Allele frequency attached by ClinVar (database versions not stated): gnomAD exomes below 0.00001; TOPMed below 0.00001; ExAC 0.00001.
gnomAD v4.1: 1 of 1,614,078 alleles (0.000062%); highest among the groups gnomAD compares: South Asian, 0.0011%; no homozygotes.

Submission:

Labcorp Genetics (formerly Invitae), Labcorp
Classification: Uncertain significance for Emery-Dreifuss muscular dystrophy 5, autosomal dominant. Last evaluated: 2021-04-23. Review status: criteria provided, single submitter. Criteria: Invitae Variant Classification Sherloc (09022015). Collection method: clinical testing. Allele origin: germline.
Comment: This variant has not been reported in the literature in individuals with SYNE2-related conditions. This sequence change replaces leucine with phenylalanine at codon 5980 of the SYNE2 protein (p.Leu5980Phe). The leucine residue is moderately conserved and there is a small physicochemical difference between leucine and phenylalanine. This variant is present in population databases (rs778928941, ExAC 0.001%). Algorithms developed to predict the effect of missense changes on protein structure and function are either unavailable or do not agree on the potential impact of this missense change (SIFT: "Deleterious"; PolyPhen-2: "Probably Damaging"; Align-GVGD: "Class C0"). In summary, the available evidence is currently insufficient to determine the role of this variant in disease. Therefore, it has been classified as a Variant of Uncertain Significance.

NM_182914.3(SYNE2):c.17940G>T (p.Leu5980Phe)

Gene: SYNE2 (spectrin repeat containing nuclear envelope protein 2; plus strand). Cytogenetic location: 14q23.2.
Variant type: single nucleotide variant.
Coding change: c.17940G>T on transcript NM_182914.3 (MANE Select); coding-DNA position 17940, G replaced by T.
Protein change: p.Leu5980Phe; replaces leucine 5980 with phenylalanine.
Molecular consequence: missense variant.
Genome position (GRCh38, 1-based): chr14:64,190,139, G>T. VCF-style: chr14-64190139-G-T. GRCh37 (hg19) VCF-style: chr14-64656857-G-T.
Other names: c.17940G>T, p.Leu5980Phe (NM_015180.6); short protein forms L5980F.
Identifiers: ClinVar variation 1396444 (VCV001396444.8), dbSNP rs778928941, ClinGen allele CA7223880.